The following is an entry in ClinVar:

ClinVar aggregate classification (germline): Uncertain significance (1 of 4 stars; one submission).

Conditions:
Epileptic encephalopathy. Identifiers: MedGen C0543888, HP:0200134.

Allele frequency attached by ClinVar (database versions not stated): gnomAD exomes 0.00001; ExAC 0.00002; gnomAD 0.00005; TOPMed 0.00005.
gnomAD v4.1: 18 of 1,609,780 alleles (0.0011%); highest among the groups gnomAD compares: Middle Eastern, 0.033%; no homozygotes.

Submission:

Labcorp Genetics (formerly Invitae), Labcorp
Classification: Uncertain significance for Epileptic encephalopathy. Last evaluated: 2025-07-27. Review status: criteria provided, single submitter. Criteria: Invitae Variant Classification Sherloc (09022015). Collection method: clinical testing. Allele origin: germline.
Comment: This sequence change replaces alanine, which is neutral and non-polar, with valine, which is neutral and non-polar, at codon 1199 of the FASN protein (p.Ala1199Val). The frequency data for this variant in the population databases is considered unreliable, as metrics indicate poor data quality at this position in the gnomAD database. This variant has not been reported in the literature in individuals affected with FASN-related conditions. ClinVar contains an entry for this variant (Variation ID: 638938). An algorithm developed to predict the effect of missense changes on protein structure and function (PolyPhen-2) suggests that this variant is likely to be tolerated. In summary, the available evidence is currently insufficient to determine the role of this variant in disease. Therefore, it has been classified as a Variant of Uncertain Significance.

NM_004104.5(FASN):c.3596C>T (p.Ala1199Val)

Gene: FASN (fatty acid synthase; minus strand). Cytogenetic location: 17q25.3.
Variant type: single nucleotide variant.
Coding change: c.3596C>T on transcript NM_004104.5 (MANE Select); coding-DNA position 3596, C replaced by T.
Protein change: p.Ala1199Val; replaces alanine 1199 with valine.
Molecular consequence: missense variant.
Genome position (GRCh38, 1-based): chr17:82,086,390, G>A on the plus strand (C>T on the coding strand, the complement: FASN is on the minus strand). VCF-style: chr17-82086390-G-A. GRCh37 (hg19) VCF-style: chr17-80044266-G-A.
Other names: short protein forms A1199V.
Identifiers: ClinVar variation 638938 (VCV000638938.8), dbSNP rs778879288, ClinGen allele CA8852332.